The following is an entry in ClinVar:

ClinVar aggregate classification (germline): Conflicting classifications of pathogenicity. Review status: criteria provided, conflicting classifications (1 of 4 stars). 10 submissions from 10 submitters: Uncertain significance (8); Likely benign (1). 1 of the submissions does not count toward it. Last evaluated 2026-08-06.

Conditions:
Hereditary cancer-predisposing syndrome. Also called: Neoplastic Syndromes, Hereditary; Hereditary neoplastic syndrome; Hereditary Cancer Syndrome; Tumor predisposition. Identifiers: Orphanet 140162, MedGen C0027672, MeSH D009386, MONDO:0015356.
Colorectal cancer, susceptibility to, 12 (CRCS12). Also called: COLORECTAL CANCER, SUSCEPTIBILITY TO, ON CHROMOSOME 12q24. Identifiers: Orphanet 220460, MedGen C3554460, MONDO:0014038, OMIM 615083.
POLE-related disorder. Also called: POLE-related condition; POLE-related disorders.
Facial dysmorphism-immunodeficiency-livedo-short stature syndrome. Also called: Facial dysmorphism, immunodeficiency, livedo, and short stature; FILS syndrome. Identifiers: Orphanet 352712, MedGen C3554576, MONDO:0014058, OMIM 615139.
Intrauterine growth retardation, metaphyseal dysplasia, adrenal hypoplasia congenita, genital anomalies, and immunodeficiency. Also called: IMAGEI SYNDROME. Identifiers: MedGen C5193036, MONDO:0032684, OMIM 618336.
Carcinoma of colon (CRC). Also called: Colon carcinoma; Colonic carcinoma. Identifiers: MedGen C0699790, MONDO:0002032.

Allele frequency attached by ClinVar (database versions not stated): ExAC 0.00003; gnomAD 0.00011 and 0.00012; gnomAD exomes 0.00002 and 0.00004; TOPMed 0.00012.
gnomAD v4.1: 46 of 1,613,952 alleles (0.0029%); highest among the groups gnomAD compares: African/African-American, 0.036%; no homozygotes.

Submissions (10):

OLLIN Analises Genomicas, OLLIN
Classification: Uncertain significance for Colorectal cancer, susceptibility to, 12. Last evaluated: 2026-08-06. Review status: criteria provided, single submitter. Criteria: ACMG Guidelines 2015 PMID 25741868. Collection method: clinical testing. Allele origin: germline. Inheritance: Autosomal recessive inheritance.
Comment: This missense variant, located in exon 45 (of 49), has been reported in ClinVar (accession VCV001718802.6) and in gnomAD with an allele frequency of 0.0029%. However, to our knowledge, it has not been reported in the scientific literature. In silico analysis is inconclusive regarding the impact of this variant. According to the currently available evidence, this variant has been classified as uncertain significance (BS1).

Labcorp Genetics (formerly Invitae), Labcorp
Classification: Uncertain significance. Last evaluated: 2025-12-28. Review status: criteria provided, single submitter. Criteria: Invitae Variant Classification Sherloc (09022015). Collection method: clinical testing. Allele origin: germline.
Comment: This sequence change replaces glycine, which is neutral and non-polar, with serine, which is neutral and polar, at codon 2092 of the POLE protein (p.Gly2092Ser). This variant is present in population databases (rs757559474, gnomAD 0.04%). This missense change has been observed in individual(s) with POLE-related conditions (PMID: 28125075, 28873162, 34326862). ClinVar contains an entry for this variant (Variation ID: 405705). Invitae Evidence Modeling of protein sequence and biophysical properties (such as structural, functional, and spatial information, amino acid conservation, physicochemical variation, residue mobility, and thermodynamic stability) indicates that this missense variant is not expected to disrupt POLE protein function with a negative predictive value of 80%. In summary, the available evidence is currently insufficient to determine the role of this variant in disease. Therefore, it has been classified as a Variant of Uncertain Significance.

Ambry Genetics
Classification: Uncertain significance for Hereditary cancer-predisposing syndrome. Last evaluated: 2025-10-03. Review status: criteria provided, single submitter. Criteria: Ambry Variant Classification Scheme 2023. Collection method: clinical testing. Allele origin: germline.
Comment: The p.G2092S variant (also known as c.6274G>A), located in coding exon 45 of the POLE gene, results from a G to A substitution at nucleotide position 6274. The glycine at codon 2092 is replaced by serine, an amino acid with similar properties. This amino acid position is highly conserved in available vertebrate species. In addition, the in silico prediction for this alteration is inconclusive. Based on the available evidence, the clinical significance of this variant remains unclear.

PreventionGenetics, part of Exact Sciences
Classification: Uncertain significance for POLE-related condition. Last evaluated: 2025-04-29. Review status: criteria provided, single submitter. Criteria: ACMG Guidelines, 2015. Collection method: clinical testing. Allele origin: germline.
Comment: The POLE c.6274G>A variant is predicted to result in the amino acid substitution p.Gly2092Ser. This variant was reported in an individual with colon cancer; however, pathogenicity was not established (Ghazani et al 2017. PubMed ID: 28125075). This variant is reported in 0.040% of alleles in individuals of African descent in gnomAD and is categorized as uncertain and likely benign in ClinVar. At this time, the clinical significance of this variant is uncertain due to the absence of conclusive functional and genetic evidence.

Center for Genomic Medicine, Rigshospitalet, Copenhagen University Hospital
Classification: Uncertain significance. Last evaluated: 2025-03-04. Review status: criteria provided, single submitter. Criteria: ACMG Guidelines, 2015. Collection method: clinical testing. Allele origin: germline.

Blueprint Genetics
Classification: Uncertain significance. Last evaluated: 2024-11-07. Review status: criteria provided, single submitter. Criteria: ACMG Guidelines, 2015. Collection method: clinical testing. Allele origin: germline.

Fulgent Genetics
Classification: Uncertain significance for Colorectal cancer, susceptibility to, 12; Facial dysmorphism-immunodeficiency-livedo-short stature syndrome; Intrauterine growth retardation, metaphyseal dysplasia, adrenal hypoplasia congenita, genital anomalies, and immunodeficiency. Last evaluated: 2024-06-04. Review status: criteria provided, single submitter. Criteria: ACMG Guidelines, 2015. Collection method: clinical testing. Allele origin: germline.

GeneDx
Classification: Uncertain significance. Last evaluated: 2024-04-23. Review status: criteria provided, single submitter. Criteria: GeneDx Variant Classification Process June 2021. Collection method: clinical testing. Allele origin: germline. Affected: yes.
Comment: In silico analysis supports that this missense variant has a deleterious effect on protein structure/function; This variant is associated with the following publications: (PMID: 28125075, 34326862, 31034466, 28873162)

Sema4
Classification: Likely benign for Hereditary cancer-predisposing syndrome. Last evaluated: 2021-02-17. Review status: criteria provided, single submitter. Criteria: Sema4 Curation Guidelines. Collection method: curation. Allele origin: germline.

Department of Pathology and Laboratory Medicine, Sinai Health System
Classification: Uncertain significance for Carcinoma of colon. Review status: no assertion criteria provided. Collection method: clinical testing. Allele origin: unknown. Affected: yes. Observed: 1 variant allele. Study: The Canadian Open Genetics Repository (COGR). Not counted in ClinVar's aggregate classification.
Comment: The POLE p.Gly2092Ser variant was identified in 1 of 330 proband chromosomes (frequency: 0.003) from individuals or families with metastatic lung or colon cancer, who were undergoing whole exome sequencing, with the affected individual having CRC (Ghazani 2017). The variant was identified in dbSNP (ID: rs757559474) â€šÃ„ÃºWith Uncertain significance alleleâ€šÃ„Ã¹, and ClinVar (classified as uncertain significance by Invitae). The variant was also identified in control databases in 13 of 277140 chromosomes at a frequency of 0.00005 (Genome Aggregation Database Feb 27, 2017), observed in the following populations: African in 10 of 24026 chromosomes (freq: 0.0004) and South Asian in 3 of 30782 chromosomes (freq: 0.0001), while not observed in the Other, Latino, European Non-Finnish, Ashkenazi Jewish, East Asian, and European Finnish populations. The p.Gly2092 residue is conserved in mammals and computational analyses (PolyPhen-2, SIFT, AlignGVGD, BLOSUM, MutationTaster) provide inconsistent predictions regarding the impact of the variant Ser to the protein; this information is not very predictive of pathogenicity. The variant occurs outside of the splicing consensus sequence and 4 of 4 in silico or computational prediction software programs (SpliceSiteFinder, MaxEntScan, NNSPLICE, GeneSplicer) predict a greater than 10% difference in splicing. However, this information is not predictive enough to assume pathogenicity. In summary, based on the above information the clinical significance of this variant cannot be determined with certainty at this time. This variant is classified as a variant of uncertain significance.

Literature cited by the submitters: PubMed 28125075 (cited by Labcorp Genetics (formerly Invitae), Labcorp and Sema4); PubMed 28873162 (cited by Labcorp Genetics (formerly Invitae), Labcorp and Sema4); PubMed 34326862 (cited by Labcorp Genetics (formerly Invitae), Labcorp).

NM_006231.4(POLE):c.6274G>A (p.Gly2092Ser)

Gene: POLE (DNA polymerase epsilon, catalytic subunit; minus strand). Cytogenetic location: 12q24.33.
Variant type: single nucleotide variant.
Coding change: c.6274G>A on transcript NM_006231.4 (MANE Select); coding-DNA position 6274, G replaced by A.
Protein change: p.Gly2092Ser; replaces glycine 2092 with serine.
Molecular consequence: missense variant.
Genome position (GRCh38, 1-based): chr12:132,632,371, C>T on the plus strand (G>A on the coding strand, the complement: POLE is on the minus strand). VCF-style: chr12-132632371-C-T. GRCh37 (hg19) VCF-style: chr12-133208957-C-T.
Other names: c.6274G>A (NM_006231.2); short protein forms G2092S.
Identifiers: ClinVar variation 405705 (VCV000405705.24), dbSNP rs757559474, ClinGen allele CA6892234.